The following is an entry in ClinVar:

NM_024426.6(WT1):c.1279C>T (p.Gln427Ter)

Gene: WT1 (WT1 transcription factor; minus strand). Cytogenetic location: 11p13.
Variant type: single nucleotide variant.
Coding change: c.1279C>T on transcript NM_024426.6 (MANE Select); coding-DNA position 1279, C replaced by T.
Protein change: p.Gln427Ter; replaces glutamine 427 with a stop codon.
Molecular consequence: nonsense. On other transcripts: non-coding transcript variant (2), intron variant (1).
Genome position (GRCh38, 1-based): chr11:32,392,741, G>A on the plus strand (C>T on the coding strand, the complement: WT1 is on the minus strand). VCF-style: chr11-32392741-G-A. GRCh37 (hg19) VCF-style: chr11-32414287-G-A.
Other names: c.1228C>T, p.Gln410Ter (NM_000378.6, NM_001407045.1, NM_001407049.1); c.628C>T, p.Gln210Ter (NM_001198551.2); c.577C>T, p.Gln193Ter (NM_001198552.2); c.91C>T, p.Gln31Ter (NM_001367854.1); c.1273C>T, p.Gln425Ter (NM_001407044.1); c.1279C>T, p.Gln427Ter (NM_001407046.1, NM_024424.5); c.1156C>T, p.Gln386Ter (NM_001407047.1); c.1105C>T, p.Gln369Ter (NM_001407050.1); and 4 more; short protein forms Q193*, Q337*, Q369*, Q386*, Q422*, Q31*, Q354*, Q425*.
Identifiers: ClinVar variation 5032013 (VCV005032013.1).
Genomic context (GRCh38, chr11:32,392,741, plus strand): 5'-GGTGTCTTTTGAGCTGGTCTGAACGAGAAAACCTTCGTTCACAGTCCTTGAAGTCACACT[G>A]GTATGGTTTCTCACCTTGGGGAAGACACATATTCTATTTGAAAATGATACTGGAAAAGGG-3'

ClinVar aggregate classification (germline): Pathogenic (1 of 4 stars; one submission).

Conditions:
Inborn genetic diseases. Identifiers: MedGen C0950123, MeSH D030342.

Submission:

Ambry Genetics
Classification: Pathogenic for Inborn genetic diseases. Last evaluated: 2026-06-16. Review status: criteria provided, single submitter. Criteria: Ambry Variant Classification Scheme 2023. Collection method: clinical testing. Allele origin: germline.
Comment: The p.Q422* pathogenic mutation (also known as c.1264C>T), located in coding exon 8 of the WT1 gene, results from a C to T substitution at nucleotide position 1264. This changes the amino acid from a glutamine to a stop codon within coding exon 8. This variant is considered to be rare based on population cohorts in the Genome Aggregation Database (gnomAD). This alteration is expected to result in loss of function by premature protein truncation or nonsense-mediated mRNA decay. As such, this alteration is interpreted as a disease-causing mutation.